The following is an entry in ClinVar:

NM_001364905.1(LRBA):c.8469-487A>C

Gene: LRBA (LPS responsive beige-like anchor protein; minus strand). Cytogenetic location: 4q31.3.
Variant type: single nucleotide variant.
Coding change: c.8469-487A>C on transcript NM_001364905.1 (MANE Select); 487 bases into the intron before coding-DNA position 8469, A replaced by C.
Molecular consequence: intron variant.
Genome position (GRCh38, 1-based): chr4:150,266,299, T>G on the plus strand (A>C on the coding strand, the complement: LRBA is on the minus strand). VCF-style: chr4-150266299-T-G. GRCh37 (hg19) VCF-style: chr4-151187451-T-G.
Other names: c.8484-487A>C (NM_001367550.1, NM_001440431.1); c.8502-487A>C (NM_006726.5); c.8466-487A>C (NM_001199282.3); c.8517-487A>C (NM_001440430.1); c.2187-487A>C (NM_001440432.1); c.2181-487A>C (NM_001440433.1).
Identifiers: ClinVar variation 2688430 (VCV002688430.2), dbSNP rs2359928, ClinGen allele CA11792522.

ClinVar aggregate classification (germline): Benign (1 of 4 stars; one submission).

Allele frequency attached by ClinVar (database versions not stated): TOPMed 0.09570; 1000 Genomes Project 30x 0.15771; 1000 Genomes Project 0.15755; gnomAD 0.08976.
gnomAD v4.1: 13,660 of 152,228 alleles (9%); highest among the groups gnomAD compares: South Asian, 23%; 927 homozygotes.

Submission:

Unidad de Genómica Garrahan, Hospital de Pediatría Garrahan
Classification: Benign. Last evaluated: 2024-01-24. Review status: criteria provided, single submitter. Criteria: ACMG Guidelines, 2015. Collection method: clinical testing. Allele origin: germline. Affected: no. Observed: 38 variant alleles.
Comment: This variant is classified as Benign based on local population frequency. This variant was detected in 43% of patients studied by a panel of primary immunodeficiencies. Number of patients: 38. Only high quality variants are reported.